The following is an entry in ClinVar:

NM_003640.5(ELP1):c.621dup (p.Ala208fs)

Gene: ELP1 (elongator acetyltransferase complex subunit 1; minus strand). Cytogenetic location: 9q31.3.
Variant type: Duplication.
Coding change: c.621dup on transcript NM_003640.5 (MANE Select); coding-DNA position 621, one base duplicated (T; older notation c.621dupT).
Protein change: p.Ala208fs; shifts the reading frame from alanine 208.
Molecular consequence: frameshift variant. On other transcripts: intron variant (1).
Genome position (GRCh38, 1-based): chr9:108,919,281, A duplicated on the plus strand (T on the coding strand, the reverse complement: ELP1 is on the minus strand); the first of 6 consecutive A bases (chr9:108,919,281-108,919,286); duplicating any one gives the same sequence. VCF-style (leftmost placement, unchanged base first): chr9-108919280-C-CA. GRCh37 (hg19) VCF-style: chr9-111681560-C-CA.
Other names: c.279dup, p.Ala94fs (NM_001318360.2); c.-307-1611dup (NM_001330749.2); short protein forms A208fs, A94fs.
Identifiers: ClinVar variation 3596308 (VCV003596308.2).

ClinVar aggregate classification (germline): Pathogenic/Likely pathogenic. Review status: criteria provided, multiple submitters, no conflicts (2 of 4 stars). 2 submissions from 2 submitters: Pathogenic (1); Likely pathogenic (1). Last evaluated 2024-06-20.

Conditions:
Familial dysautonomia. Also called: HSAN III; FD. Identifiers: Orphanet 1764, MedGen C0013364, MONDO:0009131, OMIM 223900. Disease mechanism: loss of function.
Medulloblastoma (MDB). Also called: Medulloblastoma, somatic; MEDULLOBLASTOMA PREDISPOSITION SYNDROME. Identifiers: Orphanet 616, MedGen C0025149, MeSH D008527, MONDO:0007959, OMIM 155255, HP:0002885.

Submissions (2):

Fulgent Genetics
Classification: Likely pathogenic for Medulloblastoma; Familial dysautonomia. Last evaluated: 2024-06-20. Review status: criteria provided, single submitter. Criteria: ACMG Guidelines, 2015. Collection method: clinical testing. Allele origin: germline.

Myriad Genetics, Inc.
Classification: Pathogenic for Familial dysautonomia. Last evaluated: 2023-10-07. Review status: criteria provided, single submitter. Criteria: Myriad Autosomal Dominant, Autosomal Recessive and X-Linked Classification Criteria (2023). Collection method: clinical testing. Allele origin: unknown.
Comment: NM_003640.3(ELP1):c.621dupT(A208Cfs*28) is expected to be pathogenic in the context of familial dysautonomia. This variant is predicted to lead to an abnormal or absent protein product due to the creation of a premature termination codon in ELP1, a gene where loss-of-function variants are known to be pathogenic. Please note: this variant was assessed in the context of healthy population screening.